The following is an entry in ClinVar:

ClinVar aggregate classification (germline): Likely benign (1 of 4 stars; one submission).

Submission:

GeneDx
Classification: Likely benign. Last evaluated: 2015-06-29. Review status: criteria provided, single submitter. Criteria: GeneDx Variant Classification (06012015). Collection method: clinical testing. Allele origin: germline. Affected: yes.
Comment: This variant is considered likely benign or benign based on one or more of the following criteria: it is a conservative change, it occurs at a poorly conserved position in the protein, it is predicted to be benign by multiple in silico algorithms, and/or has population frequency not consistent with disease.

NM_030777.4(SLC2A10):c.794G>C (p.Gly265Ala)

Gene: SLC2A10 (solute carrier family 2 member 10; plus strand). Cytogenetic location: 20q13.12.
Variant type: single nucleotide variant.
Coding change: c.794G>C on transcript NM_030777.4 (MANE Select); coding-DNA position 794, G replaced by C.
Protein change: p.Gly265Ala; replaces glycine 265 with alanine.
Molecular consequence: missense variant.
Genome position (GRCh38, 1-based): chr20:46,725,830, G>C. VCF-style: chr20-46725830-G-C. GRCh37 (hg19) VCF-style: chr20-45354469-G-C.
Other names: p.G265A:GGG>GCG; short protein forms G265A.
Identifiers: ClinVar variation 213719 (VCV000213719.1), dbSNP rs863223731, ClinGen allele CA324531.